The following is an entry in ClinVar:

NM_000377.3(WAS):c.1245C>T (p.Leu415=)

Gene: WAS (WASP actin nucleation promoting factor; plus strand). Cytogenetic location: Xp11.23.
Variant type: single nucleotide variant.
Coding change: c.1245C>T on transcript NM_000377.3 (MANE Select); coding-DNA position 1245, C replaced by T.
Protein change: p.Leu415=; no amino-acid change (leucine 415 retained).
Molecular consequence: synonymous variant.
Genome position (GRCh38, 1-based): chrX:48,688,973, C>T. VCF-style: chrX-48688973-C-T. GRCh37 (hg19) VCF-style: chrX-48547362-C-T.
Other names: p.Leu415=.
Identifiers: ClinVar variation 1590533 (VCV001590533.9), dbSNP rs1557007301, ClinGen allele CA516356458.
Genomic context (GRCh38, chrX:48,688,973, plus strand): 5'-ACCACCGCCACCACCGCCACCGCCGCCCAGCTCCGGGAATGGACCAGCCCCTCCCCCACT[C>T]CCTCCTGCTCTGGTGCCTGCCGGGGGCCTGGCCCCTGGTGGGGGTCGGGGAGCGCTTTTG-3'
Protein context (NP_000368.1, residues 405-425): SSGNGPAPPP[Leu415=]PPALVPAGGL

ClinVar aggregate classification (germline): Likely benign. Review status: criteria provided, multiple submitters, no conflicts (2 of 4 stars). 2 submissions from 2 submitters: Likely benign (2). Last evaluated 2025-05-21.

Conditions:
Wiskott-Aldrich syndrome (WAS). Also called: ALDRICH SYNDROME; IMMUNODEFICIENCY 2; WISKOTT-ALDRICH SYNDROME 1; Wiskott-aldrich syndrome, somatic. Identifiers: Orphanet 906, MedGen C0043194, MONDO:0010518, OMIM 301000.
X-linked severe congenital neutropenia (SCNX). Identifiers: Orphanet 86788, MedGen C1845987, MONDO:0010294, OMIM 300299.
Thrombocytopenia 1. Also called: THROMBOCYTOPENIA, X-LINKED, 1; X-Linked Thrombocytopenia (XLT); X-linked thrombocytopenia with normal platelets. Identifiers: Orphanet 268322, Orphanet 852, MedGen C1839163, MONDO:0010743, OMIM 313900.

Allele frequency attached by ClinVar (database versions not stated): TOPMed below 0.00001; gnomAD exomes 0.00001; gnomAD 0.00002.
gnomAD v4.1: 9 of 1,182,622 alleles (0.00076%); highest among the groups gnomAD compares: Non-Finnish European, 0.00091%; no homozygotes.

Submissions (2):

Mayo Clinic Laboratories, Mayo Clinic
Classification: Likely benign. Last evaluated: 2025-05-21. Review status: criteria provided, single submitter. Criteria: ACMG Guidelines, 2015. Collection method: clinical testing. Allele origin: germline. Observed: 1 variant allele.
Comment: BP4, BP7

Labcorp Genetics (formerly Invitae), Labcorp
Classification: Likely benign for Wiskott-Aldrich syndrome; X-linked severe congenital neutropenia; Thrombocytopenia 1. Last evaluated: 2024-10-07. Review status: criteria provided, single submitter. Criteria: Invitae Variant Classification Sherloc (09022015). Collection method: clinical testing. Allele origin: germline.